The following is an entry in ClinVar:

NM_001199107.2(TBC1D24):c.1594A>G (p.Thr532Ala)

Gene: TBC1D24 (TBC1 domain family member 24; plus strand). Cytogenetic location: 16p13.3.
Variant type: single nucleotide variant.
Coding change: c.1594A>G on transcript NM_001199107.2 (MANE Select); coding-DNA position 1594, A replaced by G.
Protein change: p.Thr532Ala; replaces threonine 532 with alanine.
Molecular consequence: missense variant.
Genome position (GRCh38, 1-based): chr16:2,500,872, A>G. VCF-style: chr16-2500872-A-G. GRCh37 (hg19) VCF-style: chr16-2550873-A-G.
Other names: c.1576A>G, p.Thr526Ala (NM_020705.3); short protein forms T526A, T532A.
Identifiers: ClinVar variation 1707042 (VCV001707042.2), dbSNP rs2505529217, ClinGen allele CA394382189.
Genomic context (GRCh38, chr16:2,500,872, plus strand): 5'-GGCGGCCAGGCGCTCTACATCGATGGGGACCTGAACCGGGGCCGCACAAGCCACTGCGAC[A>G]CCTTCAACAACCAGCCCCTCTGCTCCGAGAACTTCCTCATTGCTGCCGTGGAGGCCTGGG-3'
Protein context (NP_001186036.1, residues 522-542): LNRGRTSHCD[Thr532Ala]FNNQPLCSEN

ClinVar aggregate classification (germline): Uncertain significance (1 of 4 stars; one submission).

Allele frequency attached by ClinVar (database versions not stated): gnomAD exomes below 0.00001.
gnomAD v4.1: 5 of 1,612,834 alleles (0.00031%); highest among the groups gnomAD compares: Middle Eastern, 0.016%; no homozygotes.

Submission:

GeneDx
Classification: Uncertain significance. Last evaluated: 2022-03-22. Review status: criteria provided, single submitter. Criteria: GeneDx Variant Classification Process June 2021. Collection method: clinical testing. Allele origin: germline. Affected: yes.
Comment: Not observed at significant frequency in large population cohorts (gnomAD); In silico analysis supports that this missense variant has a deleterious effect on protein structure/function; Has not been previously published as pathogenic or benign to our knowledge